The following is an entry in ClinVar:

NC_012920.1(MT-TK):m.8340G>A

Gene: MT-TK (mitochondrially encoded tRNA lysine; plus strand).
Variant type: single nucleotide variant.
Genome position: chrM-8340-G-A.
Identifiers: ClinVar variation 986424 (VCV000986424.2), dbSNP rs2521961657.

ClinVar aggregate classification (germline): Likely pathogenic. Review status: reviewed by expert panel (3 of 4 stars). 2 submissions from 2 submitters: Likely pathogenic (1). 1 of the submissions does not count toward it. Last evaluated 2023-05-22.

Conditions:
Mitochondrial disease. Also called: Mitochondrial disorder; Mitochondrial disorders. Identifiers: Orphanet 68380, MedGen C0751651, MeSH D028361, MONDO:0044970.
Primary Mitochondrial Disorders. Identifiers: MedGen CN381104.

Submissions (2):

ClinGen Mitochondrial Disease Nuclear and Mitochondrial  Variant Curation Expert Panel, ClinGen
Classification: Likely pathogenic for Mitochondrial disease. Last evaluated: 2023-05-22. Review status: reviewed by expert panel. Criteria: McCormick et al. (Hum Mutat. 2020). Collection method: curation. Allele origin: germline. Inheritance: Mitochondrial inheritance.
Comment: The m.8340G>A variant in MT-TK has been reported in five unrelated individuals with features of primary mitochondrial disease (PS4_moderate; PMIDs: 24161205, 29501485, 28729369, 36999085, 34969639). Affected individuals were variably affected and had myopathy, exercise intolerance, muscle weakness, and chronic progressive external ophthalmoplegia (CPEO). Additional features seen include sensorineural hearing loss, retinal dystrophy, cataracts, migraines, epilepsy, microcephaly, and poor growth, and one individual was reported to have congenital heart disease and urinary tract anomalies. There are at least three de novo occurrences reported in the literature (PM6; PMIDs: 29501485, 28729369, 24161205). This variant is absent in the GenBank dataset, Helix dataset, and gnomAD v3.1.2 (PM2_supporting). The computational predictor MitoTIP suggests this variant is pathogenic (65th percentile) and HmtVAR predicts it to be pathogenic score of 0.4 (PP3). Single fiber testing showed higher levels of the variant in COX-deficient fibers (93.1% ± 0.26%, N=17) than in COX-positive fibers (29.5% ± 8.97, N=16), p<0.0001 (PS3_supporting, PMID: 28729369). In summary, this variant meets criteria to be classified as likely pathogenic for primary mitochondrial disease inherited in a mitochondrial manner. This classification was approved by the NICHD/NINDS U24 ClinGen Mitochondrial Disease Variant Curation Expert Panel on May 22, 2023. Mitochondrial DNA-specific ACMG/AMP criteria applied (PMID: 32906214): PS4_moderate, PM6, PM2_supporting, PP3, PS3_supporting.

Variantyx, Inc.
Classification: Likely pathogenic for Primary mitochondrial disorders. Last evaluated: 2025-10-16. Review status: criteria provided, single submitter. Criteria: Variantyx Assertion Criteria 2022. Collection method: clinical testing. Allele origin: germline. Not counted in ClinVar's aggregate classification.
Comment: The m.8340G>A change is a variant in the MT-TK gene which encodes the mitochondrial transfer RNA for lysine. Pathogenic variants in this gene have been associated with primary mitochondrial disorders. It is recommended to test several tissues in the mother by NGS to fully assess for the presence and level of this mtDNA variant. This variant has been reported in at least 4 unrelated affected individual(s) (PMID: 28729369, 29501485, 34969639, 24161205) (PS4_Moderate). Functional studies support a deleterious effect for this variant (PMID: 28729369) (PS3). Computational algorithms support a deleterious effect on the gene or gene product (Aggregate Predicted Severity Score: 0.83) (PP3). This variant is absent from control populations (PM2). Other reputable laboratories have reported this variant as pathogenic or likely pathogenic, and this classification has been validated by an expert panel in ClinVar (PP5). Based on the current evidence, this variant is classified as likely pathogenic for primary mitochondrial disorders.

Literature cited by the submitters: PubMed 28729369 (cited by ClinGen Mitochondrial Disease Nuclear and Mitochondrial  Variant Curation Expert Panel, ClinGen).